The following is an entry in ClinVar:

NM_017721.5(CC2D1A):c.502C>T (p.Arg168Trp)

Gene: CC2D1A (coiled-coil and C2 domain containing 1A; plus strand). Cytogenetic location: 19p13.12.
Variant type: single nucleotide variant.
Coding change: c.502C>T on transcript NM_017721.5 (MANE Select); coding-DNA position 502, C replaced by T.
Protein change: p.Arg168Trp; replaces arginine 168 with tryptophan.
Molecular consequence: missense variant.
Genome position (GRCh38, 1-based): chr19:13,913,291, C>T. VCF-style: chr19-13913291-C-T. GRCh37 (hg19) VCF-style: chr19-14024104-C-T.
Other names: c.502C>T, p.Arg168Trp (NM_001411138.1); short protein forms R168W.
Identifiers: ClinVar variation 3602830 (VCV003602830.1).
Genomic context (GRCh38, chr19:13,913,291, plus strand): 5'-CAGACAGCAATTGAAAGCGCCAGACAAGCTGGAGACAGCGCCAAGATGCGGCGCTACGAT[C>T]GGGGGCTTAAAGTAAGTGGGCAGAGGGCAGGGTACAGGGACCCCCCGCCAACCCCGATGC-3'
Protein context (NP_060191.3, residues 158-178): GDSAKMRRYD[Arg168Trp]GLKTLENLLA

ClinVar aggregate classification (germline): Uncertain significance (1 of 4 stars; one submission).

gnomAD v4.1: 6 of 1,612,300 alleles (0.00037%); highest among the groups gnomAD compares: Admixed American, 0.0017%; no homozygotes.

Submission:

GeneDx
Classification: Uncertain significance. Last evaluated: 2024-08-09. Review status: criteria provided, single submitter. Criteria: GeneDx Variant Classification Process June 2021. Collection method: clinical testing. Allele origin: germline. Affected: yes.
Comment: Not observed at significant frequency in large population cohorts (gnomAD); In silico analysis supports that this missense variant has a deleterious effect on protein structure/function; Has not been previously published as pathogenic or benign to our knowledge